The following is an entry in ClinVar:

NM_001040108.2(MLH3):c.4309T>C (p.Cys1437Arg)

Gene: MLH3 (mutL homolog 3; minus strand). Cytogenetic location: 14q24.3.
Variant type: single nucleotide variant.
Coding change: c.4309T>C on transcript NM_001040108.2 (MANE Select); coding-DNA position 4309, T replaced by C.
Protein change: p.Cys1437Arg; replaces cysteine 1437 with arginine.
Molecular consequence: missense variant.
Genome position (GRCh38, 1-based): chr14:75,017,135, A>G on the plus strand (T>C on the coding strand, the complement: MLH3 is on the minus strand). VCF-style: chr14-75017135-A-G. GRCh37 (hg19) VCF-style: chr14-75483838-A-G.
Other names: c.4237T>C, p.Cys1413Arg (NM_014381.3); short protein forms C1413R, C1437R.
Identifiers: ClinVar variation 1739605 (VCV001739605.2), dbSNP rs2503032408, ClinGen allele CA390417803.
Genomic context (GRCh38, chr14:75,017,135, plus strand): 5'-TCTGTTCTCATGGTGGCTCACAGGGAGGCATGGATTGCTGCAGGCTCTGCCTTGTATCAC[A>G]CTCTGCTTTTCCAAAGAGACGCCAGGCCTGGGCCATTTTGCGAAGTTTAGTGAGGTTGGG-3'
Protein context (NP_001035197.1, residues 1427-1447): QAWRLFGKAE[Cys1437Arg]DTRQSLQQSM

ClinVar aggregate classification (germline): Uncertain significance (1 of 4 stars; one submission).

Allele frequency attached by ClinVar (database versions not stated): gnomAD exomes below 0.00001.
gnomAD v4.1: 2 of 1,613,552 alleles (0.00012%); highest among the groups gnomAD compares: Non-Finnish European, 0.00017%; no homozygotes.

Submission:

Ambry Genetics
Classification: Uncertain significance. Last evaluated: 2021-11-30. Review status: criteria provided, single submitter. Criteria: Ambry Variant Classification Scheme 2023. Collection method: clinical testing. Allele origin: germline.
Comment: The p.C1437R variant (also known as c.4309T>C), located in coding exon 12 of the MLH3 gene, results from a T to C substitution at nucleotide position 4309. The cysteine at codon 1437 is replaced by arginine, an amino acid with highly dissimilar properties. This amino acid position is conserved. In addition, the in silico prediction for this alteration is inconclusive. Since supporting evidence is limited at this time, the clinical significance of this alteration remains unclear.